The following is an entry in ClinVar:

NM_015202.5(KATNIP):c.619A>G (p.Ile207Val)

Gene: KATNIP (katanin interacting protein; plus strand). Cytogenetic location: 16p12.1.
Variant type: single nucleotide variant.
Coding change: c.619A>G on transcript NM_015202.5 (MANE Select); coding-DNA position 619, A replaced by G.
Protein change: p.Ile207Val; replaces isoleucine 207 with valine.
Molecular consequence: missense variant.
Genome position (GRCh38, 1-based): chr16:27,677,807, A>G. VCF-style: chr16-27677807-A-G. GRCh37 (hg19) VCF-style: chr16-27689128-A-G.
Other names: short protein forms I207V.
Identifiers: ClinVar variation 2419435 (VCV002419435.6), dbSNP rs1248959482, ClinGen allele CA395318842.

ClinVar aggregate classification (germline): Uncertain significance (1 of 4 stars; one submission).

Allele frequency attached by ClinVar (database versions not stated): gnomAD 0.00001; gnomAD exomes 0.00001; TOPMed 0.00001.
gnomAD v4.1: 20 of 1,613,994 alleles (0.0012%); highest among the groups gnomAD compares: East Asian, 0.0045%; no homozygotes.

Submission:

Labcorp Genetics (formerly Invitae), Labcorp
Classification: Uncertain significance. Last evaluated: 2024-10-17. Review status: criteria provided, single submitter. Criteria: Invitae Variant Classification Sherloc (09022015). Collection method: clinical testing. Allele origin: germline.
Comment: This sequence change replaces isoleucine, which is neutral and non-polar, with valine, which is neutral and non-polar, at codon 207 of the KIAA0556 protein (p.Ile207Val). This variant is present in population databases (no rsID available, gnomAD 0.01%). This variant has not been reported in the literature in individuals affected with KIAA0556-related conditions. ClinVar contains an entry for this variant (Variation ID: 2419435). An algorithm developed to predict the effect of missense changes on protein structure and function (PolyPhen-2) suggests that this variant is likely to be tolerated. In summary, the available evidence is currently insufficient to determine the role of this variant in disease. Therefore, it has been classified as a Variant of Uncertain Significance.